The following is an entry in ClinVar:

ClinVar aggregate classification (germline): Uncertain significance (1 of 4 stars; one submission).

Allele frequency attached by ClinVar (database versions not stated): gnomAD exomes below 0.00001.
gnomAD v4.1: 1 of 1,613,840 alleles (0.000062%); highest among the groups gnomAD compares: South Asian, 0.0011%; no homozygotes.

Submission:

Labcorp Genetics (formerly Invitae), Labcorp
Classification: Uncertain significance. Last evaluated: 2022-11-01. Review status: criteria provided, single submitter. Criteria: Invitae Variant Classification Sherloc (09022015). Collection method: clinical testing. Allele origin: germline.
Comment: This sequence change falls in intron 3 of the GORAB gene. It does not directly change the encoded amino acid sequence of the GORAB protein. It affects a nucleotide within the consensus splice site. This variant is present in population databases (no rsID available, gnomAD 0.003%). This variant has not been reported in the literature in individuals affected with GORAB-related conditions. Variants that disrupt the consensus splice site are a relatively common cause of aberrant splicing (PMID: 17576681, 9536098). Algorithms developed to predict the effect of sequence changes on RNA splicing suggest that this variant is not likely to affect RNA splicing. In summary, the available evidence is currently insufficient to determine the role of this variant in disease. Therefore, it has been classified as a Variant of Uncertain Significance.

Literature cited by the submitters: PubMed 17576681; PubMed 9536098.

NM_152281.3(GORAB):c.522-3T>C

Gene: GORAB (golgin, RAB6 interacting; plus strand). Cytogenetic location: 1q24.2.
Variant type: single nucleotide variant.
Coding change: c.522-3T>C on transcript NM_152281.3 (MANE Select); 3 bases into the intron before coding-DNA position 522, T replaced by C.
Molecular consequence: intron variant.
Genome position (GRCh38, 1-based): chr1:170,544,702, T>C. VCF-style: chr1-170544702-T-C. GRCh37 (hg19) VCF-style: chr1-170513843-T-C.
Other names: c.57-3T>C (NM_001320252.2); c.522-3T>C (NM_001146039.2).
Identifiers: ClinVar variation 1923521 (VCV001923521.5), dbSNP rs1171025327, ClinGen allele CA526720976.